The following is an entry in ClinVar:

NM_007294.4(BRCA1):c.2714A>G (p.Gln905Arg)

Gene: BRCA1 (BRCA1 DNA repair associated; minus strand). Cytogenetic location: 17q21.31.
Variant type: single nucleotide variant.
Coding change: c.2714A>G on transcript NM_007294.4 (MANE Select); coding-DNA position 2714, A replaced by G.
Protein change: p.Gln905Arg; replaces glutamine 905 with arginine.
Molecular consequence: missense variant. On other transcripts: intron variant (137).
Genome position (GRCh38, 1-based): chr17:43,092,817, T>C on the plus strand (A>G on the coding strand, the complement: BRCA1 is on the minus strand). VCF-style: chr17-43092817-T-C. GRCh37 (hg19) VCF-style: chr17-41244834-T-C.
Other names: 2833A>G; c.2714A>G, p.Gln905Arg (NM_001407597.1, NM_001407598.1, NM_001407602.1 and 30 more transcripts); c.2711A>G, p.Gln904Arg (NM_001407610.1, NM_001407611.1, NM_001407612.1 and 22 more transcripts); c.2705A>G, p.Gln902Arg (NM_001407646.1, NM_001407647.1); c.2591A>G, p.Gln864Arg (NM_001407648.1, NM_001407664.1, NM_001407665.1 and 19 more transcripts); c.2588A>G, p.Gln863Arg (NM_001407649.1, NM_001407670.1, NM_001407671.1 and 11 more transcripts); c.2636A>G, p.Gln879Arg (NM_001407653.1, NM_001407654.1, NM_001407655.1 and 4 more transcripts); c.2633A>G, p.Gln878Arg (NM_001407659.1, NM_001407660.1, NM_001407661.1 and 1 more transcripts); and 42 more; short protein forms Q905R, Q858R, Q835R, Q838R, Q863R, Q904R, Q609R, Q777R.
Identifiers: ClinVar variation 37485 (VCV000037485.20), dbSNP rs397507203, ClinGen allele CA001788.

ClinVar aggregate classification (germline): Conflicting classifications of pathogenicity. Review status: criteria provided, conflicting classifications (1 of 4 stars). 6 submissions from 6 submitters: Uncertain significance (4); Likely benign (1). 1 of the submissions does not count toward it. Last evaluated 2025-12-02.

Conditions:
Hereditary cancer-predisposing syndrome. Also called: Tumor predisposition; Neoplastic Syndromes, Hereditary; Hereditary Cancer Syndrome; Hereditary neoplastic syndrome. Identifiers: Orphanet 140162, MedGen C0027672, MeSH D009386, MONDO:0015356.
Hereditary breast ovarian cancer syndrome. Also called: Hereditary breast and ovarian cancer syndrome (HBOC); Hereditary breast and ovarian cancer syndrome; Hereditary breast and ovarian cancer; Hereditary breast and/or ovarian cancer syndrome; Breast and ovarian cancer; BRCA1- and BRCA2-Associated Hereditary Breast and Ovarian Cancer. Identifiers: Orphanet 145, MedGen C0677776, MeSH D061325, MONDO:0003582. Disease mechanism: loss of function.
Breast-ovarian cancer, familial, susceptibility to, 1 (BROVCA1). Also called: OVARIAN CANCER, SUSCEPTIBILITY TO; BRCA1 Hereditary Breast and Ovarian Cancer. Identifiers: Orphanet 145, MedGen C2676676, MONDO:0011450, OMIM 604370. Disease mechanism: loss of function.

Allele frequency attached by ClinVar (database versions not stated): gnomAD exomes below 0.00001; ExAC 0.00001.
gnomAD v4.1: 4 of 1,614,052 alleles (0.00025%); highest among the groups gnomAD compares: Non-Finnish European, 0.00034%; no homozygotes.

Submissions (6):

Ambry Genetics
Classification: Uncertain significance for Hereditary cancer-predisposing syndrome. Last evaluated: 2025-12-02. Review status: criteria provided, single submitter. Criteria: Ambry Variant Classification Scheme 2023. Collection method: clinical testing. Allele origin: germline.
Comment: The p.Q905R variant (also known as c.2714A>G), located in coding exon 9 of the BRCA1 gene, results from an A to G substitution at nucleotide position 2714. The glutamine at codon 905 is replaced by arginine, an amino acid with highly similar properties. This amino acid position is not well conserved in available vertebrate species. In addition, the in silico prediction for this alteration is inconclusive. Since supporting evidence is limited at this time, the clinical significance of this alteration remains unclear.

Labcorp Genetics (formerly Invitae), Labcorp
Classification: Uncertain significance for Hereditary breast ovarian cancer syndrome. Last evaluated: 2025-09-09. Review status: criteria provided, single submitter. Criteria: Invitae Variant Classification Sherloc (09022015). Collection method: clinical testing. Allele origin: germline.
Comment: This sequence change replaces glutamine, which is neutral and polar, with arginine, which is basic and polar, at codon 905 of the BRCA1 protein (p.Gln905Arg). This variant is present in population databases (rs397507203, gnomAD 0.0009%). This variant has not been reported in the literature in individuals affected with BRCA1-related conditions. ClinVar contains an entry for this variant (Variation ID: 37485). Invitae Evidence Modeling of protein sequence and biophysical properties (such as structural, functional, and spatial information, amino acid conservation, physicochemical variation, residue mobility, and thermodynamic stability) indicates that this missense variant is not expected to disrupt BRCA1 protein function with a negative predictive value of 80%. In summary, the available evidence is currently insufficient to determine the role of this variant in disease. Therefore, it has been classified as a Variant of Uncertain Significance.

Color Diagnostics, LLC DBA Color Health
Classification: Uncertain significance for Hereditary cancer-predisposing syndrome. Last evaluated: 2025-08-12. Review status: criteria provided, single submitter. Criteria: ACMG Guidelines, 2015. Collection method: clinical testing. Allele origin: germline.
Comment: This missense variant replaces glutamine with arginine at codon 905 of the BRCA1 protein. Computational prediction is inconclusive regarding the impact of this variant on protein structure and function. To our knowledge, functional studies have not been reported for this variant. This variant has been detected in a breast cancer case-control meta-analysis in 0/60466 cases and 1/53461 unaffected individuals (PMID: 33471991Leiden Open Variation Database DB-ID BRCA1_006393). This variant has been identified in 1/250856 chromosomes in the general population by the Genome Aggregation Database (gnomAD). The available evidence is insufficient to determine the role of this variant in disease conclusively. Therefore, this variant is classified as a Variant of Uncertain Significance.

ARUP Laboratories, Molecular Genetics and Genomics, ARUP Laboratories
Classification: Uncertain significance. Last evaluated: 2023-04-07. Review status: criteria provided, single submitter. Criteria: ARUP Molecular Germline Variant Investigation Process 2024. Collection method: clinical testing. Allele origin: germline.
Comment: The BRCA1 c.2714A>G; p.Gln905Arg variant (rs397507203), to our knowledge, is not reported in the medical literature but is reported in ClinVar (Variation ID: 37485). This variant is only observed on one allele in the Genome Aggregation Database, indicating it is not a common polymorphism. Computational analyses are uncertain whether this variant is neutral or deleterious (REVEL: 0.512). Due to the limited information, the clinical significance of this variant is uncertain at this time.

University of Washington Department of Laboratory Medicine, University of Washington
Classification: Likely benign for Hereditary cancer-predisposing syndrome. Last evaluated: 2023-03-23. Review status: criteria provided, single submitter. Criteria: Dines et al. (Genet Med. 2020). Collection method: curation. Allele origin: germline.
Comment: Missense variant in a coldspot region where missense variants are very unlikely to be pathogenic (PMID:31911673).

BRCA1 coldspot (exon 11 using historical exon numbering). Reclassification based on statistical prior probability

Sharing Clinical Reports Project (SCRP)
Classification: Uncertain significance for Breast-ovarian cancer, familial 1. Last evaluated: 2011-08-15. Review status: no assertion criteria provided. Collection method: clinical testing. Allele origin: germline. Not counted in ClinVar's aggregate classification.

Literature cited by the submitters: PubMed 33471991 (cited by Color Diagnostics, LLC DBA Color Health).